The following is an entry in ClinVar:

ClinVar aggregate classification (germline): Uncertain significance (1 of 4 stars; one submission).

Conditions:
Sphingolipid activator protein 1 deficiency. Also called: Metachromatic leukodystrophy due to saposin B deficiency; METACHROMATIC LEUKODYSTROPHY DUE TO CEREBROSIDE SULFATASE ACTIVATOR DEFICIENCY; Saposin B Deficiency. Identifiers: Orphanet 512, MedGen C0268262, MONDO:0009590, OMIM 249900.

Submission:

Labcorp Genetics (formerly Invitae), Labcorp
Classification: Uncertain significance for Sphingolipid activator protein 1 deficiency. Last evaluated: 2025-07-07. Review status: criteria provided, single submitter. Criteria: Invitae Variant Classification Sherloc (09022015). Collection method: clinical testing. Allele origin: germline.
Comment: This sequence change replaces alanine with threonine at codon 238 of the PSAP protein (p.Ala238Thr). The alanine residue is weakly conserved and there is a small physicochemical difference between alanine and threonine. This variant is not present in population databases (gnomAD no frequency). This variant has not been reported in the literature in individuals affected with PSAP-related conditions. ClinVar contains an entry for this variant (Variation ID: 1413564). Invitae Evidence Modeling of protein sequence and biophysical properties (such as structural, functional, and spatial information, amino acid conservation, physicochemical variation, residue mobility, and thermodynamic stability) indicates that this missense variant is not expected to disrupt PSAP protein function with a negative predictive value of 95%. In summary, the available evidence is currently insufficient to determine the role of this variant in disease. Therefore, it has been classified as a Variant of Uncertain Significance.

NM_002778.4(PSAP):c.712G>A (p.Ala238Thr)

Gene: PSAP (prosaposin; minus strand). Cytogenetic location: 10q22.1.
Variant type: single nucleotide variant.
Coding change: c.712G>A on transcript NM_002778.4 (MANE Select); coding-DNA position 712, G replaced by A.
Protein change: p.Ala238Thr; replaces alanine 238 with threonine.
Molecular consequence: missense variant.
Genome position (GRCh38, 1-based): chr10:71,828,022, C>T on the plus strand (G>A on the coding strand, the complement: PSAP is on the minus strand). VCF-style: chr10-71828022-C-T. GRCh37 (hg19) VCF-style: chr10-73587779-C-T.
Other names: c.712G>A, p.Ala238Thr (NM_001042465.3, NM_001042466.3); short protein forms A238T.
Identifiers: ClinVar variation 1413564 (VCV001413564.8), dbSNP rs2133043341, ClinGen allele CA377150643.